The following is an entry in ClinVar:

NM_000069.3(CACNA1S):c.4668+6C>T

Gene: CACNA1S (calcium voltage-gated channel subunit alpha1 S; minus strand). Cytogenetic location: 1q32.1.
Variant type: single nucleotide variant.
Coding change: c.4668+6C>T on transcript NM_000069.3 (MANE Select); 6 bases into the intron after coding-DNA position 4668, C replaced by T.
Molecular consequence: intron variant.
Genome position (GRCh38, 1-based): chr1:201,047,109, G>A on the plus strand (C>T on the coding strand, the complement: CACNA1S is on the minus strand). VCF-style: chr1-201047109-G-A. GRCh37 (hg19) VCF-style: chr1-201016237-G-A.
Identifiers: ClinVar variation 945960 (VCV000945960.9), dbSNP rs752849401, ClinGen allele CA083506.
Genomic context (GRCh38, chr1:201,047,109, plus strand): 5'-ATAACTAGAGTCTGGAGACCTGGCTCAGTGGGGGAGCCCCTTGGAACATACCTGGATTGG[G>A]CTTACCTGGATCTGTACAATGTCCTTCTTGGGCCGATAGCCATAATACTCCTCTTGGCGT-3'

ClinVar aggregate classification (germline): Uncertain significance (1 of 4 stars; one submission).

Conditions:
Hypokalemic periodic paralysis, type 1. Also called: HypoPP; Hypokalemic Periodic Paralysis Type 1 (AD). Identifiers: Orphanet 681, MedGen C3714580, MONDO:0042979, OMIM 170400.
Malignant hyperthermia, susceptibility to, 5 (MHS5). Also called: CACNA1S-Related Malignant Hyperthermia Susceptibility. Identifiers: Orphanet 423, MedGen C1866077, MONDO:0011163, OMIM 601887.

Allele frequency attached by ClinVar (database versions not stated): gnomAD exomes 0.00001 and 0.00003; ExAC 0.00002; gnomAD 0.00003 and 0.00004; TOPMed 0.00003.

Submission:

Labcorp Genetics (formerly Invitae), Labcorp
Classification: Uncertain significance for Hypokalemic periodic paralysis, type 1; Malignant hyperthermia, susceptibility to, 5. Last evaluated: 2025-08-18. Review status: criteria provided, single submitter. Criteria: Invitae Variant Classification Sherloc (09022015). Collection method: clinical testing. Allele origin: germline.
Comment: This sequence change falls in intron 38 of the CACNA1S gene. It does not directly change the encoded amino acid sequence of the CACNA1S protein. It affects a nucleotide within the consensus splice site. This variant is present in population databases (rs752849401, gnomAD 0.004%). This variant has been observed in individual(s) with clinical features of CACNA1S-related conditions (internal data). ClinVar contains an entry for this variant (Variation ID: 945960). Variants that disrupt the consensus splice site are a relatively common cause of aberrant splicing (PMID: 17576681, 9536098). Algorithms developed to predict the effect of sequence changes on RNA splicing suggest that this variant is not likely to affect RNA splicing. In summary, the available evidence is currently insufficient to determine the role of this variant in disease. Therefore, it has been classified as a Variant of Uncertain Significance.

Literature cited by the submitters: PubMed 17576681; PubMed 9536098.